The following is an entry in ClinVar:

ClinVar aggregate classification (germline): Uncertain significance. Review status: criteria provided, multiple submitters, no conflicts (2 of 4 stars). 2 submissions from 2 submitters: Uncertain significance (2). Last evaluated 2025-11-07.

Conditions:
Inborn genetic diseases. Identifiers: MedGen C0950123, MeSH D030342.

Allele frequency attached by ClinVar (database versions not stated): gnomAD exomes 0.00002 and 0.00006; TOPMed 0.00011; gnomAD 0.00013 and 0.00014.
gnomAD v4.1: 50 of 1,613,416 alleles (0.0031%); highest among the groups gnomAD compares: Admixed American, 0.068%; 1 homozygote.

Submissions (2):

Labcorp Genetics (formerly Invitae), Labcorp
Classification: Uncertain significance. Last evaluated: 2025-11-07. Review status: criteria provided, single submitter. Criteria: Invitae Variant Classification Sherloc (09022015). Collection method: clinical testing. Allele origin: germline.
Comment: This sequence change replaces aspartic acid, which is acidic and polar, with asparagine, which is neutral and polar, at codon 537 of the SLC1A3 protein (p.Asp537Asn). This variant is present in population databases (no rsID available, gnomAD 0.04%), and has an allele count higher than expected for a pathogenic variant. This variant has not been reported in the literature in individuals affected with SLC1A3-related conditions. ClinVar contains an entry for this variant (Variation ID: 1421869). An algorithm developed to predict the effect of missense changes on protein structure and function (PolyPhen-2) suggests that this variant is likely to be tolerated. In summary, the available evidence is currently insufficient to determine the role of this variant in disease. Therefore, it has been classified as a Variant of Uncertain Significance.

Ambry Genetics
Classification: Uncertain significance for Inborn genetic diseases. Last evaluated: 2021-08-10. Review status: criteria provided, single submitter. Criteria: Ambry Variant Classification Scheme 2023. Collection method: clinical testing. Allele origin: germline.

NM_004172.5(SLC1A3):c.1609G>A (p.Asp537Asn)

Genes: SLC1A3 (solute carrier family 1 member 3; plus strand), SLC1A3-AS1 (SLC1A3 antisense RNA 1; minus strand). Cytogenetic location: 5p13.2.
Variant type: single nucleotide variant.
Coding change: c.1609G>A on transcript NM_004172.5 (MANE Select); coding-DNA position 1609, G replaced by A.
Protein change: p.Asp537Asn; replaces aspartic acid 537 with asparagine.
Molecular consequence: missense variant.
Genome position (GRCh38, 1-based): chr5:36,686,249, G>A. VCF-style: chr5-36686249-G-A. GRCh37 (hg19) VCF-style: chr5-36686351-G-A.
Other names: c.1474G>A, p.Asp492Asn (NM_001166695.3); c.1471G>A, p.Asp491Asn (NM_001289939.2); c.1273G>A, p.Asp425Asn (NM_001289940.2); c.1609G>A (NM_004172.4); short protein forms D425N, D491N, D537N, D492N.
Identifiers: ClinVar variation 1421869 (VCV001421869.6), dbSNP rs1045623880, ClinGen allele CA117427389.